The following continues an entry in ClinVar:

NM_000258.3(MYL3):c.427G>A (p.Glu143Lys)

Gene: MYL3. ClinVar aggregate classification (germline): Uncertain significance. Uncertain significance (1).

Submissions 6 to 13 of 20:

All of Us Research Program, National Institutes of Health
Classification: Likely pathogenic for Hypertrophic cardiomyopathy. Last evaluated: 2024-03-24. Review status: criteria provided, single submitter. Criteria: ACMG Guidelines, 2015. Collection method: clinical testing. Allele origin: germline. Inheritance: Autosomal dominant inheritance. Observed: 2 variant alleles, 2 heterozygotes. Not counted in ClinVar's aggregate classification.
Comment: This missense variant replaces glutamic acid with lysine at codon 143 in the EF-hand domain of the MYL3 protein. Computational prediction tool suggests that this variant may have a deleterious impact on protein structure and function (internally defined REVEL score threshold >=0.7, PMID: 27666373). An experimental study has shown that this variant may reduce affinity for the cardiac myosin heavy chain in vitro (PMID: 22131351). In a transgenic mouse model, this variant caused a phenotype consistent with severe restrictive cardiomyopathy, including increased ventricular stiffness, sarcomere abnormalities, and interstitial cardiac fibrosis (PMID: 28371863). This variant has been identified in heterozygosity in more than 30 individuals affected with hypertrophic cardiomyopathy (PMID: 27532257, 30706179, 30847666, 33495597, 35026164; communication with external laboratories: ClinVar variation ID: 14063). Some of these individuals were reported to carry other variants associated with cardiomyopathy. This variant has also been reported in homozygosity in two unrelated individuals affected with restrictive cardiomyopathy (PMID: 12021217, 21823217). Five heterozygous individuals from these two families were unaffected suggesting reduced penetrance. This variant has been identified in 4/282890 chromosomes in the general population by the Genome Aggregation Database (gnomAD). Based on the available evidence, this variant is classified as Likely Pathogenic.

This study involves interpretation of variants in research participants for the purpose of population health screening. Participant phenotype was not available at the time of variant classification. Additional details can be found in publication PMID: 35346344, PMCID: PMC8962531

Mayo Clinic Laboratories, Mayo Clinic
Classification: Likely pathogenic. Last evaluated: 2024-02-16. Review status: criteria provided, single submitter. Criteria: ACMG Guidelines, 2015. Collection method: clinical testing. Allele origin: germline. Observed: 1 variant allele. Not counted in ClinVar's aggregate classification.
Comment: PP3, PM2, PM3, PS3_supporting, PS4_moderate

Color Diagnostics, LLC DBA Color Health
Classification: Likely pathogenic for Cardiomyopathy. Last evaluated: 2024-01-30. Review status: criteria provided, single submitter. Criteria: ACMG Guidelines, 2015. Collection method: clinical testing. Allele origin: germline. Not counted in ClinVar's aggregate classification.
Comment: This missense variant replaces glutamic acid with lysine at codon 143 in the EF-hand domain of the MYL3 protein. Computational prediction tools indicate that this variant has a deleterious impact on protein structure and function. An experimental study has shown that this variant may reduce affinity for the cardiac myosin heavy chain in vitro (PMID: 22131351). In a transgenic mouse model, this variant caused a phenotype consistent with severe restrictive cardiomyopathy, including increased ventricular stiffness, sarcomere abnormalities, and interstitial cardiac fibrosis (PMID: 28371863). This variant has been identified in heterozygosity in more than 30 individuals affected with hypertrophic cardiomyopathy (PMID: 27532257, 30706179, 30847666, 33495597, 35026164; communication with external laboratories: ClinVar variation ID: 14063). Some of these individuals were reported to carry other variants associated with cardiomyopathy. This variant has also been reported in homozygosity in two unrelated individuals affected with restrictive cardiomyopathy (PMID: 12021217, 21823217). Five heterozygous individuals from these two families were unaffected suggesting reduced penetrance. This variant has been identified in 4/282890 chromosomes in the general population by the Genome Aggregation Database (gnomAD). Based on the available evidence, this variant is classified as Likely Pathogenic.

Blueprint Genetics
Classification: Likely pathogenic for MYL3-related disorders. Last evaluated: 2024-01-03. Review status: criteria provided, single submitter. Criteria: ACMG Guidelines, 2015. Collection method: clinical testing. Allele origin: germline. Affected: yes. Observed: 3 variant alleles. Not counted in ClinVar's aggregate classification.

Molecular Diagnostic Laboratory for Inherited Cardiovascular Disease, Montreal Heart Institute
Classification: Likely pathogenic for Cardiovascular phenotype. Last evaluated: 2023-09-05. Review status: criteria provided, single submitter. Criteria: ACMG Guidelines, 2015. Collection method: clinical testing. Allele origin: germline. Affected: yes. Not counted in ClinVar's aggregate classification.

Women's Health and Genetics/Laboratory Corporation of America, LabCorp
Classification: Pathogenic for Primary familial hypertrophic cardiomyopathy. Last evaluated: 2022-06-20. Review status: criteria provided, single submitter. Criteria: LabCorp Variant Classification Summary - May 2015. Collection method: clinical testing. Allele origin: germline. Not counted in ClinVar's aggregate classification.
Comment: Variant summary: MYL3 c.427G>A (p.Glu143Lys) results in a conservative amino acid change located in the EF-hand domain (IPR002048) of the encoded protein sequence. Four of five in-silico tools predict a damaging effect of the variant on protein function. The variant allele was found at a frequency of 1.2e-05 in 251486 control chromosomes (gnomAD). c.427G>A has been reported in the literature in multiple individuals affected with Hypertrophic Cardiomyopathy (HCM) (e.g. Gomez_2017, Ho_2018, Mademont-Soler_2017, McNamara_2017, Miller_2019, Olson_2002, Walsh_2017). At least two studies report individuals affected with childhood-onset HCM or early-onset restrictive cardiomyopathy that were homozygous for the variant, while multiple heterozygote family members were reported as unaffected with no evidence of cardiomyopathy (Caleshu_2011, Olson_2002). Olson et al (2002) postulated that the variant causes recessive cardiomyopathy and acts through a different molecular mechanism of disease than other dominantly-inherited MYL3 pathogenic variants. Additional studies reported the variant in HCM individuals co-occurring with variants from other cardiomyopathy genes (e.g. MYBPC3 p.I539V, TTN p.T6325A and p.R24188T, MYBPC3 p.D770N) (Gomez_2017, Mademont-Soler_2017, McNamara_2017). At least one of these is a known pathogenic variant (MYBPC3 p.D770N) and through their studies on the super-relaxed state (SRX) of myosin, the authors suggested that the combination of the two variants may cause a compound heterozygous effect (McNamara_2017). These data indicate that the variant is very likely to be associated with disease. Experimental evidence demonstrated the variant affects protein function (e.g. Lossie_2012, Sahni_2015). Eight ClinVar submitters (evaluation after 2014) cite the variant as pathogenic/likely pathogenic (n=7) and as uncertain significance (n=1). Based on the evidence outlined above, the variant was classified as pathogenic.

Baylor Genetics
Classification: Likely pathogenic for Hypertrophic cardiomyopathy 8. Last evaluated: 2022-04-14. Review status: criteria provided, single submitter. Criteria: ACMG Guidelines, 2015. Collection method: clinical testing. Allele origin: unknown. Not counted in ClinVar's aggregate classification.

ARUP Laboratories, Molecular Genetics and Genomics, ARUP Laboratories
Classification: Uncertain significance for Hypertrophic cardiomyopathy 8. Last evaluated: 2022-04-06. Review status: criteria provided, single submitter. Criteria: ARUP Molecular Germline Variant Investigation Process 2021. Collection method: clinical testing. Allele origin: germline. Not counted in ClinVar's aggregate classification.
Comment: The p.Glu143Lys variant (rs104893750) has been previously identified in two families of Latin American ethnicity (Caleshu 2011 and Olson 2002), and in a large cohort of patients referred for testing due to cardiomyopathy (Walsh 2017). Pathogenic variants in MYHL3 are typically associated with dominantly inherited hypertrophic cardiomyopathy (HCM8; MIM: 608751). However, in the two families described in Caleshu et al (2011) and Olson et al (2002), affected individuals were homozygous for the p.Glu143Lys, whereas a total of five heterozygous carriers between both families (ages 7-70) were clinically unaffected. Consanguinity was confirmed in the family described in Olsen et al (2002), and the authors suggested the p.Glu143Lys variant acts in a recessive manner, likely through a mechanism distinct from other dominantly inherited pathogenic MYL3 variants. At least one functional study of several pathogenic variants in MYL3, including p.Glu143Lys, revealed similar defects compared to wild-type in the binding of variant MYL3 protein to myosin heavy chain. However, these functional observations are difficult to interpretation, as the exact molecular mechanisms underlying the physiological defects associated with MYL3 remain unknown. Furthermore, to our knowledge, no other recessive-acting pathogenic alleles have been identified in MYL3, and all clinical laboratories submitting to ClinVar also classify the p.Glu143Lys variant as being of uncertain clinical significance (Variation ID: 14063). The glutamic acid at codon 143 is highly conserved considering 14 species up to C. elegans (Alamut software v2.9), and computational analyses suggest this variant has a significant effect on MYL3 protein structure/function (SIFT: damaging, PolyPhen2: possibly damaging, and Mutation Taster: disease causing). In summary, based on the available information, the clinical significance of the p.Glu143Lys variant cannot be determined with certainty.